The following is an entry in ClinVar:

NM_032387.5(WNK4):c.1822dup (p.Val608fs)

Gene: WNK4 (WNK lysine deficient protein kinase 4; plus strand). Cytogenetic location: 17q21.2.
Variant type: Duplication.
Coding change: c.1822dup on transcript NM_032387.5 (MANE Select); coding-DNA position 1822, one base duplicated (G; older notation c.1822dupG).
Protein change: p.Val608fs; shifts the reading frame from valine 608.
Molecular consequence: frameshift variant.
Genome position (GRCh38, 1-based): chr17:42,787,858, G duplicated; the last of 7 consecutive G bases (chr17:42,787,852-42,787,858); duplicating any one gives the same sequence. VCF-style (leftmost placement, unchanged base first): chr17-42787851-T-TG. GRCh37 (hg19) VCF-style: chr17-40939869-T-TG.
Other names: c.814dup, p.Val272fs (NM_001321299.2); short protein forms V272fs, V608fs.
Identifiers: ClinVar variation 3582024 (VCV003582024.3).

ClinVar aggregate classification (germline): Uncertain significance. Review status: criteria provided, multiple submitters, no conflicts (2 of 4 stars). 2 submissions from 2 submitters: Uncertain significance (2). Last evaluated 2025-05-21.

Conditions:
Pseudohypoaldosteronism type 2B (PHA2B). Also called: Pseudohypoaldosteronism Type IIB. Identifiers: Orphanet 757, Orphanet 88939, MedGen C1840390, MONDO:0013777, OMIM 614491.

Submissions (2):

Labcorp Genetics (formerly Invitae), Labcorp
Classification: Uncertain significance. Last evaluated: 2025-05-21. Review status: criteria provided, single submitter. Criteria: Invitae Variant Classification Sherloc (09022015). Collection method: clinical testing. Allele origin: germline.
Comment: This sequence change creates a premature translational stop signal (p.Val608Glyfs*7) in the WNK4 gene. It is expected to result in an absent or disrupted protein product. However, the current clinical and genetic evidence is not sufficient to establish whether loss-of-function variants in WNK4 cause disease. The frequency data for this variant in the population databases is considered unreliable, as metrics indicate poor data quality at this position in the gnomAD database. This variant has not been reported in the literature in individuals affected with WNK4-related conditions. ClinVar contains an entry for this variant (Variation ID: 3582024). In summary, the available evidence is currently insufficient to determine the role of this variant in disease. Therefore, it has been classified as a Variant of Uncertain Significance.

Fulgent Genetics
Classification: Uncertain significance for Pseudohypoaldosteronism type 2B. Last evaluated: 2024-03-19. Review status: criteria provided, single submitter. Criteria: ACMG Guidelines, 2015. Collection method: clinical testing. Allele origin: germline.